The following is an entry in ClinVar:

NM_007118.4(TRIO):c.2154G>C (p.Gln718His)

Gene: TRIO (trio Rho guanine nucleotide exchange factor; plus strand). Cytogenetic location: 5p15.2.
Variant type: single nucleotide variant.
Coding change: c.2154G>C on transcript NM_007118.4 (MANE Select); coding-DNA position 2154, G replaced by C.
Protein change: p.Gln718His; replaces glutamine 718 with histidine.
Molecular consequence: missense variant. On other transcripts: non-coding transcript variant (1).
Genome position (GRCh38, 1-based): chr5:14,358,285, G>C. VCF-style: chr5-14358285-G-C. GRCh37 (hg19) VCF-style: chr5-14358394-G-C.
Other names: short protein forms Q718H.
Identifiers: ClinVar variation 4741875 (VCV004741875.1).

ClinVar aggregate classification (germline): Uncertain significance (1 of 4 stars; one submission).

Submission:

Labcorp Genetics (formerly Invitae), Labcorp
Classification: Uncertain significance. Last evaluated: 2025-12-10. Review status: criteria provided, single submitter. Criteria: Invitae Variant Classification Sherloc (09022015). Collection method: clinical testing. Allele origin: germline.
Comment: This sequence change replaces glutamine, which is neutral and polar, with histidine, which is basic and polar, at codon 718 of the TRIO protein (p.Gln718His). This variant is not present in population databases (gnomAD no frequency). This variant has not been reported in the literature in individuals affected with TRIO-related conditions. Invitae Evidence Modeling of protein sequence and biophysical properties (such as structural, functional, and spatial information, amino acid conservation, physicochemical variation, residue mobility, and thermodynamic stability) indicates that this missense variant is not expected to disrupt TRIO protein function with a negative predictive value of 80%. In summary, the available evidence is currently insufficient to determine the role of this variant in disease. Therefore, it has been classified as a Variant of Uncertain Significance.